The following is an entry in ClinVar:

NM_000492.4(CFTR):c.653T>A (p.Leu218Ter)

Gene: CFTR (CF transmembrane conductance regulator; plus strand). Cytogenetic location: 7q31.2.
Variant type: single nucleotide variant.
Coding change: c.653T>A on transcript NM_000492.4 (MANE Select); coding-DNA position 653, T replaced by A.
Protein change: p.Leu218Ter; replaces leucine 218 with a stop codon.
Molecular consequence: nonsense.
Genome position (GRCh38, 1-based): chr7:117,535,321, T>A. VCF-style: chr7-117535321-T-A. GRCh37 (hg19) VCF-style: chr7-117175375-T-A.
Other names: p.Leu218X; short protein forms L218*.
Identifiers: ClinVar variation 54035 (VCV000054035.14), dbSNP rs397508777, ClinGen allele CA327616.

ClinVar aggregate classification (germline): Pathogenic. Review status: reviewed by expert panel (3 of 4 stars). 6 submissions from 6 submitters: Pathogenic (1). 5 of the submissions do not count toward it. Last evaluated 2021-09-24.

Conditions:
CFTR-related disorder (CFTR-RD). Also called: CFTR-related disorders; CFTR-related condition. Identifiers: MedGen C5924204, MONDO:7770004.
Cystic fibrosis (CF). Also called: MUCOVISCIDOSIS. Identifiers: Orphanet 586, MedGen C0010674, MONDO:0009061, OMIM 219700. Disease mechanism: loss of function.
Bronchiectasis with or without elevated sweat chloride 1 (BESC1). Also called: Cystic Fibrosis-Like Syndrome. Identifiers: Orphanet 60033, MedGen C2749757, MONDO:0008887, OMIM 211400.

Allele frequency attached by ClinVar (database versions not stated): gnomAD exomes 0.00001 and 0.00003; ExAC 0.00003.
gnomAD v4.1: 14 of 1,614,124 alleles (0.00087%); highest among the groups gnomAD compares: South Asian, 0.015%; no homozygotes.

Submissions (6):

CFTR2
Classification: Pathogenic for Cystic fibrosis. Last evaluated: 2021-09-24. Review status: reviewed by expert panel. Criteria: Submitter's publication and website. Collection method: research. Allele origin: germline. Affected: yes.

Labcorp Genetics (formerly Invitae), Labcorp
Classification: Pathogenic for Cystic fibrosis. Last evaluated: 2025-09-19. Review status: criteria provided, single submitter. Criteria: Invitae Variant Classification Sherloc (09022015). Collection method: clinical testing. Allele origin: germline. Not counted in ClinVar's aggregate classification.
Comment: This sequence change creates a premature translational stop signal (p.Leu218*) in the CFTR gene. It is expected to result in an absent or disrupted protein product. Loss-of-function variants in CFTR are known to be pathogenic (PMID: 1695717, 7691345, 9725922). This variant is present in population databases (rs397508777, gnomAD 0.03%). This premature translational stop signal has been observed in individual(s) with clinical features of cystic fibrosis (internal data). ClinVar contains an entry for this variant (Variation ID: 54035). For these reasons, this variant has been classified as Pathogenic.

Natera, Inc.
Classification: Pathogenic for CFTR-related disorders. Last evaluated: 2024-05-03. Review status: criteria provided, single submitter. Criteria: Natera Variant Classification Schema (03/2026). Collection method: clinical testing. Allele origin: germline. Not counted in ClinVar's aggregate classification.
Comment: The c.653T>A variant in CFTR is a nonsense variant predicted to introduce a stop codon at amino acid 218. This variant is expected to result in nonsense mediated decay, truncation, or a dysfunctional protein product. This variant is rare in the general population with a frequency below the threshold expected for the associated phenotype(s). This variant has been observed in one or more individuals affected with the associated recessive disease, as either homozygous or compound heterozygous with a second variant (PMID: 30877757, 12357328, 25963003). Given the available evidence, this variant is classified as Pathogenic.

Baylor Genetics
Classification: Pathogenic for Bronchiectasis with or without elevated sweat chloride 1. Last evaluated: 2023-08-10. Review status: criteria provided, single submitter. Criteria: ACMG Guidelines, 2015. Collection method: clinical testing. Allele origin: unknown. Not counted in ClinVar's aggregate classification.

Women's Health and Genetics/Laboratory Corporation of America, LabCorp
Classification: Pathogenic for Cystic fibrosis. Last evaluated: 2022-07-11. Review status: criteria provided, single submitter. Criteria: LabCorp Variant Classification Summary - May 2015. Collection method: clinical testing. Allele origin: germline. Not counted in ClinVar's aggregate classification.
Comment: Variant summary: CFTR c.653T>A (p.Leu218X) results in a premature termination codon, predicted to cause a truncation of the encoded protein or absence of the protein due to nonsense mediated decay, which are commonly known mechanisms for disease. Truncations downstream of this position have been classified as pathogenic by our laboratory. The variant allele was found at a frequency of 3.2e-05 in 251446 control chromosomes (gnomAD). c.653T>A has been reported in the literature in multiple homozygous and heterozygous individuals affected with Cystic Fibrosis (e.g.McCormick_2002, Mei-Zahav_2005, Sharma_2009, Zampoli_2021). These data indicate that the variant is very likely to be associated with disease. Three submitters have provided assessments for this variant to ClinVar after 2014 and all classified the variant as pathogenic. Based on the evidence outlined above, the variant was classified as pathogenic.

ClinVar Staff, National Center for Biotechnology Information (NCBI)
No classification provided. Condition: CFTR-related disorders. Review status: no classification provided. Collection method: literature only. Allele origin: germline. Affected: yes. Not counted in ClinVar's aggregate classification.

Literature cited by the submitters: PubMed 1695717 (cited by Labcorp Genetics (formerly Invitae), Labcorp); PubMed 7691345 (cited by Labcorp Genetics (formerly Invitae), Labcorp); PubMed 9725922 (cited by Labcorp Genetics (formerly Invitae), Labcorp); PubMed 30877757 (cited by Natera, Inc.); PubMed 12357328 (cited by Natera, Inc. and Women's Health and Genetics/Laboratory Corporation of America, LabCorp); PubMed 25963003 (cited by Natera, Inc.); PubMed 18782298 (cited by Women's Health and Genetics/Laboratory Corporation of America, LabCorp); PubMed 34350279 (cited by Women's Health and Genetics/Laboratory Corporation of America, LabCorp); PubMed 15970608 (cited by Women's Health and Genetics/Laboratory Corporation of America, LabCorp); PubMed 20059485 (cited by ClinVar Staff, National Center for Biotechnology Information (NCBI)).